The following is an entry in ClinVar:

NM_000257.4(MYH7):c.2243C>A (p.Ser748Tyr)

Gene: MYH7 (myosin heavy chain 7; minus strand). Cytogenetic location: 14q11.2.
Variant type: single nucleotide variant.
Coding change: c.2243C>A on transcript NM_000257.4 (MANE Select); coding-DNA position 2243, C replaced by A.
Protein change: p.Ser748Tyr; replaces serine 748 with tyrosine.
Molecular consequence: missense variant.
Genome position (GRCh38, 1-based): chr14:23,425,738, G>T on the plus strand (C>A on the coding strand, the complement: MYH7 is on the minus strand). VCF-style: chr14-23425738-G-T. GRCh37 (hg19) VCF-style: chr14-23894947-G-T.
Other names: c.2243C>A, p.Ser748Tyr (NM_001407004.1); short protein forms S748Y.
Identifiers: ClinVar variation 3636033 (VCV003636033.2).

ClinVar aggregate classification (germline): Uncertain significance (1 of 4 stars; one submission).

Conditions:
Hypertrophic cardiomyopathy. Also called: HYPERTROPHIC MYOCARDIOPATHY. Identifiers: Orphanet 217569, MedGen C0007194, MeSH D002312, MONDO:0005045, HP:0001639.

Submission:

Labcorp Genetics (formerly Invitae), Labcorp
Classification: Uncertain significance for Hypertrophic cardiomyopathy. Last evaluated: 2024-10-07. Review status: criteria provided, single submitter. Criteria: Invitae Variant Classification Sherloc (09022015). Collection method: clinical testing. Allele origin: germline.
Comment: This sequence change replaces serine, which is neutral and polar, with tyrosine, which is neutral and polar, at codon 748 of the MYH7 protein (p.Ser748Tyr). This variant is not present in population databases (gnomAD no frequency). This variant has not been reported in the literature in individuals affected with MYH7-related conditions. Invitae Evidence Modeling of protein sequence and biophysical properties (such as structural, functional, and spatial information, amino acid conservation, physicochemical variation, residue mobility, and thermodynamic stability) indicates that this missense variant is expected to disrupt MYH7 protein function with a positive predictive value of 95%. In summary, the available evidence is currently insufficient to determine the role of this variant in disease. Therefore, it has been classified as a Variant of Uncertain Significance.